The following is an entry in ClinVar:

NM_003803.4(MYOM1):c.212A>T (p.Gln71Leu)

Gene: MYOM1 (myomesin 1; minus strand). Cytogenetic location: 18p11.31.
Variant type: single nucleotide variant.
Coding change: c.212A>T on transcript NM_003803.4 (MANE Select); coding-DNA position 212, A replaced by T.
Protein change: p.Gln71Leu; replaces glutamine 71 with leucine.
Molecular consequence: missense variant.
Genome position (GRCh38, 1-based): chr18:3,215,012, T>A on the plus strand (A>T on the coding strand, the complement: MYOM1 is on the minus strand). VCF-style: chr18-3215012-T-A. GRCh37 (hg19) VCF-style: chr18-3215010-T-A.
Other names: c.212A>T, p.Gln71Leu (NM_019856.2); short protein forms Q71L.
Identifiers: ClinVar variation 1508751 (VCV001508751.8), dbSNP rs878922094, ClinGen allele CA401718066.

ClinVar aggregate classification (germline): Uncertain significance (1 of 4 stars; one submission).

Conditions:
Hypertrophic cardiomyopathy. Also called: HYPERTROPHIC MYOCARDIOPATHY. Identifiers: Orphanet 217569, MedGen C0007194, MeSH D002312, MONDO:0005045, HP:0001639.

Submission:

Labcorp Genetics (formerly Invitae), Labcorp
Classification: Uncertain significance for Hypertrophic cardiomyopathy. Last evaluated: 2021-06-16. Review status: criteria provided, single submitter. Criteria: Invitae Variant Classification Sherloc (09022015). Collection method: clinical testing. Allele origin: germline.
Comment: This variant has not been reported in the literature in individuals with MYOM1-related conditions. Algorithms developed to predict the effect of missense changes on protein structure and function are either unavailable or do not agree on the potential impact of this missense change (SIFT: "Deleterious"; PolyPhen-2: "Benign"; Align-GVGD: "Class C0"). In summary, the available evidence is currently insufficient to determine the role of this variant in disease. Therefore, it has been classified as a Variant of Uncertain Significance. This variant is not present in population databases (ExAC no frequency). This sequence change replaces glutamine with leucine at codon 71 of the MYOM1 protein (p.Gln71Leu). The glutamine residue is weakly conserved and there is a moderate physicochemical difference between glutamine and leucine.